The following is an entry in ClinVar:

ClinVar aggregate classification (germline): Uncertain significance. Review status: criteria provided, multiple submitters, no conflicts (2 of 4 stars). 2 submissions from 2 submitters: Uncertain significance (2). Last evaluated 2024-06-19.

Conditions:
Cardiovascular phenotype. Identifiers: MedGen CN230736.
Noonan syndrome 4 (NS4). Also called: SOS1-Related Noonan Syndrome; NOONAN SYNDROME WITH PIGMENTED VILLONODULAR SYNOVITIS. Identifiers: Orphanet 648, MedGen C1853120, MONDO:0012547, OMIM 610733.

Submissions (2):

Pittsburgh Clinical Genomics Laboratory, University of Pittsburgh Medical Center
Classification: Uncertain significance for Noonan syndrome 4. Last evaluated: 2024-06-19. Review status: criteria provided, single submitter. Criteria: ACMG Guidelines, 2015. Collection method: clinical testing. Allele origin: germline. Inheritance: Autosomal dominant inheritance. Affected: yes.
Comment: This sequence variant is a single nucleotide substitution (T>A) at position 3928 of the coding sequence of the SOS1 gene that results in a tyrosine to asparagine amino acid change at residue 1310 of the SOS Ras/Rac guanine nucleotide exchange factor 1 protein. This is a previously reported variant (ClinVar 2587629) that has not been observed in individuals affected by SOS1-related conditions in the published literature, to our knowledge. This variant is absent from the gnomAD V4.1.0 population database (0/~1613000). Multiple bioinformatic tools predict that this tyrosine to asparagine amino acid change would be damaging, and the Tyr1310 residue at this position is highly conserved across the vertebrate species examined. Studies examining the functional consequence of this variant have not been published, to our knowledge. At this time, there is insufficient evidence to determine if this variant is pathogenic or benign. Therefore, we consider this a variant of uncertain significance. ACMG Criteria: PM2, PP3

Ambry Genetics
Classification: Uncertain significance for Cardiovascular phenotype. Last evaluated: 2023-07-15. Review status: criteria provided, single submitter. Criteria: Ambry Variant Classification Scheme 2023. Collection method: clinical testing. Allele origin: germline.
Comment: The p.Y1310N variant (also known as c.3928T>A), located in coding exon 23 of the SOS1 gene, results from a T to A substitution at nucleotide position 3928. The tyrosine at codon 1310 is replaced by asparagine, an amino acid with dissimilar properties. This amino acid position is conserved. In addition, this alteration is predicted to be deleterious by in silico analysis. Since supporting evidence is limited at this time, the clinical significance of this alteration remains unclear.

NM_005633.4(SOS1):c.3928T>A (p.Tyr1310Asn)

Gene: SOS1 (SOS Ras/Rac guanine nucleotide exchange factor 1; minus strand). Cytogenetic location: 2p22.1.
Variant type: single nucleotide variant.
Coding change: c.3928T>A on transcript NM_005633.4 (MANE Select); coding-DNA position 3928, T replaced by A.
Protein change: p.Tyr1310Asn; replaces tyrosine 1310 with asparagine.
Molecular consequence: missense variant.
Genome position (GRCh38, 1-based): chr2:38,985,898, A>T on the plus strand (T>A on the coding strand, the complement: SOS1 is on the minus strand). VCF-style: chr2-38985898-A-T. GRCh37 (hg19) VCF-style: chr2-39213039-A-T.
Other names: c.3907T>A, p.Tyr1303Asn (NM_001382394.1); c.3883T>A, p.Tyr1295Asn (NM_001382395.1); short protein forms Y1310N, Y1295N, Y1303N.
Identifiers: ClinVar variation 2587629 (VCV002587629.3), dbSNP rs2528869249, ClinGen allele CA346362025.